The following is an entry in ClinVar:

ClinVar aggregate classification (germline): Uncertain significance (1 of 4 stars; one submission).

Allele frequency attached by ClinVar (database versions not stated): TOPMed below 0.00001.

Submission:

Labcorp Genetics (formerly Invitae), Labcorp
Classification: Uncertain significance. Last evaluated: 2023-11-20. Review status: criteria provided, single submitter. Criteria: Invitae Variant Classification Sherloc (09022015). Collection method: clinical testing. Allele origin: germline.
Comment: This sequence change replaces lysine, which is basic and polar, with glutamic acid, which is acidic and polar, at codon 564 of the KIF11 protein (p.Lys564Glu). This variant is not present in population databases (gnomAD no frequency). This variant has not been reported in the literature in individuals affected with KIF11-related conditions. ClinVar contains an entry for this variant (Variation ID: 1483330). Advanced modeling of protein sequence and biophysical properties (such as structural, functional, and spatial information, amino acid conservation, physicochemical variation, residue mobility, and thermodynamic stability) performed at Invitae indicates that this missense variant is not expected to disrupt KIF11 protein function with a negative predictive value of 80%. In summary, the available evidence is currently insufficient to determine the role of this variant in disease. Therefore, it has been classified as a Variant of Uncertain Significance.

NM_004523.4(KIF11):c.1690A>G (p.Lys564Glu)

Gene: KIF11 (kinesin family member 11; plus strand). Cytogenetic location: 10q23.33.
Variant type: single nucleotide variant.
Coding change: c.1690A>G on transcript NM_004523.4 (MANE Select); coding-DNA position 1690, A replaced by G.
Protein change: p.Lys564Glu; replaces lysine 564 with glutamic acid.
Molecular consequence: missense variant.
Genome position (GRCh38, 1-based): chr10:92,632,681, A>G. VCF-style: chr10-92632681-A-G. GRCh37 (hg19) VCF-style: chr10-94392438-A-G.
Other names: short protein forms K564E.
Identifiers: ClinVar variation 1483330 (VCV001483330.8), dbSNP rs930115449, ClinGen allele CA211511684.